The following is an entry in ClinVar:

ClinVar aggregate classification (germline): Uncertain significance (1 of 4 stars; one submission).

gnomAD v4.1: 15 of 1,613,142 alleles (0.00093%); highest among the groups gnomAD compares: Non-Finnish European, 0.0012%; no homozygotes.

Submission:

Labcorp Genetics (formerly Invitae), Labcorp
Classification: Uncertain significance. Last evaluated: 2022-06-08. Review status: criteria provided, single submitter. Criteria: Invitae Variant Classification Sherloc (09022015). Collection method: clinical testing. Allele origin: germline.
Comment: In summary, the available evidence is currently insufficient to determine the role of this variant in disease. Therefore, it has been classified as a Variant of Uncertain Significance. Algorithms developed to predict the effect of missense changes on protein structure and function (SIFT, PolyPhen-2, Align-GVGD) all suggest that this variant is likely to be tolerated. This variant has not been reported in the literature in individuals affected with ANGPTL3-related conditions. This variant is present in population databases (rs755423135, gnomAD 0.003%). This sequence change replaces serine, which is neutral and polar, with phenylalanine, which is neutral and non-polar, at codon 433 of the ANGPTL3 protein (p.Ser433Phe).

NM_014495.4(ANGPTL3):c.1298C>T (p.Ser433Phe)

Genes: ANGPTL3 (angiopoietin like 3; plus strand), DOCK7 (dedicator of cytokinesis 7; minus strand). Cytogenetic location: 1p31.3.
Variant type: single nucleotide variant.
Coding change: c.1298C>T on transcript NM_014495.4 (MANE Select); coding-DNA position 1298, C replaced by T.
Protein change: p.Ser433Phe; replaces serine 433 with phenylalanine.
Molecular consequence: missense variant. On other transcripts: intron variant (7).
Genome position (GRCh38, 1-based): chr1:62,604,732, C>T. VCF-style: chr1-62604732-C-T. GRCh37 (hg19) VCF-style: chr1-63070403-C-T.
Other names: c.1682+13974G>A (NM_001272001.2, NM_001272000.2, NM_033407.4 and 4 more transcripts); short protein forms S433F.
Identifiers: ClinVar variation 1932982 (VCV001932982.5), dbSNP rs755423135, ClinGen allele CA886858.
Genomic context (GRCh38, chr1:62,604,732, plus strand): 5'-TAAATGGTAAATATAACAAACCAAGAGCAAAATCTAAGCCAGAGAGGAGAAGAGGATTAT[C>T]TTGGAAGTCTCAAAATGGAAGGTTATACTCTATAAAATCAACCAAAATGTTGATCCATCC-3'
Protein context (NP_055310.1, residues 423-443): KSKPERRRGL[Ser433Phe]WKSQNGRLYS